The following is an entry in ClinVar:

ClinVar aggregate classification (germline): Benign. Review status: criteria provided, multiple submitters, no conflicts (2 of 4 stars). 3 submissions from 3 submitters: Benign (3). Last evaluated 2018-01-13.

Conditions:
Isovaleryl-CoA dehydrogenase deficiency (IVA). Also called: Classic Isovaleric Acidemia; IVD DEFICIENCY; ISOVALERIC ACID CoA DEHYDROGENASE DEFICIENCY; Isovaleric acidemia. Identifiers: Orphanet 33, MedGen C0268575, MONDO:0009475, OMIM 243500.

Allele frequency attached by ClinVar (database versions not stated): gnomAD exomes 0.00177 and 0.00443; ExAC 0.00566; gnomAD 0.01898 and 0.02023; ESP Exome Variant Server 0.02038; 1000 Genomes Project 0.02057; TOPMed 0.02063; 1000 Genomes Project 30x 0.02171.
gnomAD v4.1: 5,570 of 1,613,722 alleles (0.35%); highest among the groups gnomAD compares: African/African-American, 6.6%; 181 homozygotes.

Submissions (3):

Illumina Laboratory Services, Illumina
Classification: Benign for Isovaleryl-CoA dehydrogenase deficiency. Last evaluated: 2018-01-13. Review status: criteria provided, single submitter. Criteria: ICSL Variant Classification Criteria 13 December 2019. Collection method: clinical testing. Allele origin: germline.
Comment: This variant was observed in the ICSL laboratory as part of a predisposition screen in an ostensibly healthy population. It had not been previously curated by ICSL or reported in the Human Gene Mutation Database (HGMD: prior to June 1st, 2018), and was therefore a candidate for classification through an automated scoring system. Utilizing variant allele frequency, disease prevalence and penetrance estimates, and inheritance mode, an automated score was calculated to assess if this variant is too frequent to cause the disease. Based on the score and internal cut-off values, a variant classified as benign is not then subjected to further curation. The score for this variant resulted in a classification of benign for this disease.

GeneDx
Classification: Benign. Last evaluated: 2014-10-08. Review status: criteria provided, single submitter. Criteria: GeneDx Variant Classification (06012015). Collection method: clinical testing. Allele origin: germline. Affected: yes.
Comment: This variant is considered likely benign or benign based on one or more of the following criteria: it is a conservative change, it occurs at a poorly conserved position in the protein, it is predicted to be benign by multiple in silico algorithms, and/or has population frequency not consistent with disease.

Breakthrough Genomics
Classification: Benign. Review status: criteria provided, single submitter. Criteria: ACMG Guidelines, 2015. Collection method: not provided. Allele origin: germline. Inheritance: Autosomal recessive inheritance. Affected: yes.

NM_002225.5(IVD):c.*14C>T

Gene: IVD (isovaleryl-CoA dehydrogenase; plus strand). Cytogenetic location: 15q15.1.
Variant type: single nucleotide variant.
Coding change: c.*14C>T on transcript NM_002225.5 (MANE Select); 14 bases downstream of the stop codon, C replaced by T.
Molecular consequence: 3 prime UTR variant. On other transcripts: intron variant (3).
Genome position (GRCh38, 1-based): chr15:40,418,277, C>T. VCF-style: chr15-40418277-C-T. GRCh37 (hg19) VCF-style: chr15-40710476-C-T.
Other names: c.*14C>T (NM_001159508.3, NM_001354597.3, NM_001354599.3); c.1225+1915C>T (NM_001354600.3); c.1138+1915C>T (NM_001354598.3, NM_001354601.3).
Identifiers: ClinVar variation 203782 (VCV000203782.7), dbSNP rs8040294, ClinGen allele CA312652.